The following is an entry in ClinVar:

ClinVar aggregate classification (germline): Uncertain significance. Review status: criteria provided, multiple submitters, no conflicts (2 of 4 stars). 2 submissions from 2 submitters: Uncertain significance (2). Last evaluated 2025-12-16.

Conditions:
Spinocerebellar ataxia, autosomal recessive, with axonal neuropathy 2 (SCAN2). Also called: ATAXIA-OCULOMOTOR APRAXIA 2; Ataxia-ocular apraxia-2; Ataxia with Oculomotor Apraxia; Ataxia with Oculomotor Apraxia Type 2. Identifiers: Orphanet 64753, MedGen C1853761, MONDO:0018996, OMIM 606002.
Amyotrophic lateral sclerosis type 4 (ALS4). Also called: AMYOTROPHIC LATERAL SCLEROSIS 4, JUVENILE; NEURONOPATHY, DISTAL HEREDITARY MOTOR, WITH PYRAMIDAL FEATURES. Identifiers: Orphanet 357043, MedGen C1865409, MONDO:0011223, OMIM 602433.

gnomAD v4.1: 4 of 1,614,224 alleles (0.00025%); highest among the groups gnomAD compares: Non-Finnish European, 0.00034%; no homozygotes.

Submissions (2):

Labcorp Genetics (formerly Invitae), Labcorp
Classification: Uncertain significance for Amyotrophic lateral sclerosis type 4; Spinocerebellar ataxia, autosomal recessive, with axonal neuropathy 2. Last evaluated: 2025-12-16. Review status: criteria provided, single submitter. Criteria: Invitae Variant Classification Sherloc (09022015). Collection method: clinical testing. Allele origin: germline.
Comment: This sequence change replaces lysine, which is basic and polar, with arginine, which is basic and polar, at codon 2501 of the SETX protein (p.Lys2501Arg). This variant is not present in population databases (gnomAD no frequency). This variant has not been reported in the literature in individuals affected with SETX-related conditions. ClinVar contains an entry for this variant (Variation ID: 4085941). Invitae Evidence Modeling of protein sequence and biophysical properties (such as structural, functional, and spatial information, amino acid conservation, physicochemical variation, residue mobility, and thermodynamic stability) indicates that this missense variant is not expected to disrupt SETX protein function with a negative predictive value of 95%. In summary, the available evidence is currently insufficient to determine the role of this variant in disease. Therefore, it has been classified as a Variant of Uncertain Significance.

CeGaT Center for Human Genetics Tuebingen
Classification: Uncertain significance. Last evaluated: 2025-08-01. Review status: criteria provided, single submitter. Criteria: CeGaT Center For Human Genetics Tuebingen Variant Classification Criteria Version 2. Collection method: clinical testing. Allele origin: germline. Affected: yes. Observed: 1 variant allele.
Comment: SETX: PM2, BP4

NM_015046.7(SETX):c.7502A>G (p.Lys2501Arg)

Gene: SETX (senataxin; minus strand). Cytogenetic location: 9q34.13.
Variant type: single nucleotide variant.
Coding change: c.7502A>G on transcript NM_015046.7 (MANE Select); coding-DNA position 7502, A replaced by G.
Protein change: p.Lys2501Arg; replaces lysine 2501 with arginine.
Molecular consequence: missense variant.
Genome position (GRCh38, 1-based): chr9:132,264,771, T>C on the plus strand (A>G on the coding strand, the complement: SETX is on the minus strand). VCF-style: chr9-132264771-T-C. GRCh37 (hg19) VCF-style: chr9-135140158-T-C.
Other names: c.7502A>G, p.Lys2501Arg (NM_001351527.2); c.7589A>G, p.Lys2530Arg (NM_001351528.2); short protein forms K2501R, K2530R.
Identifiers: ClinVar variation 4085941 (VCV004085941.9).